The following is an entry in ClinVar:

NM_002519.3(NPAT):c.3465T>G (p.Ile1155Met)

Gene: NPAT (nuclear protein, coactivator of histone transcription; minus strand). Cytogenetic location: 11q22.3.
Variant type: single nucleotide variant.
Coding change: c.3465T>G on transcript NM_002519.3 (MANE Select); coding-DNA position 3465, T replaced by G.
Protein change: p.Ile1155Met; replaces isoleucine 1155 with methionine.
Molecular consequence: missense variant.
Genome position (GRCh38, 1-based): chr11:108,161,621, A>C on the plus strand (T>G on the coding strand, the complement: NPAT is on the minus strand). VCF-style: chr11-108161621-A-C. GRCh37 (hg19) VCF-style: chr11-108032348-A-C.
Other names: c.3486T>G, p.Ile1162Met (NM_001321307.1); short protein forms I1162M, I1155M.
Identifiers: ClinVar variation 3407159 (VCV003407159.1).

ClinVar aggregate classification (germline): Uncertain significance (1 of 4 stars; one submission).

Submission:

Ambry Genetics
Classification: Uncertain significance. Last evaluated: 2024-09-21. Review status: criteria provided, single submitter. Criteria: Ambry Variant Classification Scheme 2023. Collection method: clinical testing. Allele origin: germline.
Comment: The p.I1155M variant (also known as c.3465T>G), located in coding exon 17 of the NPAT gene, results from a T to G substitution at nucleotide position 3465. The isoleucine at codon 1155 is replaced by methionine, an amino acid with highly similar properties. This amino acid position is conserved. In addition, this alteration is predicted to be tolerated by in silico analysis. Based on the available evidence, the clinical significance of this variant remains unclear.